The following is an entry in ClinVar:

ClinVar aggregate classification (germline): Conflicting classifications of pathogenicity. Review status: criteria provided, conflicting classifications (1 of 4 stars). 6 submissions from 6 submitters: Uncertain significance (3); Likely benign (3). Last evaluated 2026-01-14.

Conditions:
Familial infantile myasthenia (CMS6). Also called: Congenital myasthenic syndrome type 6; MYASTHENIC SYNDROME, PRESYNAPTIC, CONGENITAL, ASSOCIATED WITH EPISODIC APNEA; MYASTHENIC SYNDROME, CONGENITAL, 6, PRESYNAPTIC. Identifiers: Orphanet 590, MedGen C0393929, MONDO:0009689, OMIM 254210.
CHAT-related disorder. Also called: CHAT-related condition.

Allele frequency attached by ClinVar (database versions not stated): 1000 Genomes Project 0.00020; gnomAD exomes 0.00025 and 0.00034; ESP Exome Variant Server 0.00031; gnomAD 0.00034; ExAC 0.00036; TOPMed 0.00037; 1000 Genomes Project 30x 0.00047.
gnomAD v4.1: 437 of 1,614,072 alleles (0.027%); highest among the groups gnomAD compares: Middle Eastern, 0.37%; 2 homozygotes.

Submissions (6):

Labcorp Genetics (formerly Invitae), Labcorp
Classification: Likely benign for Familial infantile myasthenia. Last evaluated: 2026-01-14. Review status: criteria provided, single submitter. Criteria: Invitae Variant Classification Sherloc (09022015). Collection method: clinical testing. Allele origin: germline.

Revvity Omics, Revvity
Classification: Uncertain significance for Familial infantile myasthenia. Last evaluated: 2025-08-07. Review status: criteria provided, single submitter. Criteria: ACMG Guidelines, 2015. Collection method: clinical testing. Allele origin: germline.

PreventionGenetics, part of Exact Sciences
Classification: Likely benign for CHAT-related condition. Last evaluated: 2025-06-06. Review status: criteria provided, single submitter. Criteria: ACMG Guidelines, 2015. Collection method: clinical testing. Allele origin: germline.
Comment: This variant is classified as likely benign based on ACMG/AMP sequence variant interpretation guidelines (Richards et al. 2015 PMID: 25741868, with internal and published modifications).

GeneDx
Classification: Likely benign. Last evaluated: 2020-09-25. Review status: criteria provided, single submitter. Criteria: GeneDx Variant Classification Process June 2021. Collection method: clinical testing. Allele origin: germline. Affected: yes.
Comment: See Variant Classification Assertion Criteria.

Athena Diagnostics
Classification: Uncertain significance. Last evaluated: 2018-06-04. Review status: criteria provided, single submitter. Criteria: Athena Diagnostics Criteria. Collection method: clinical testing. Allele origin: germline.

Eurofins Ntd Llc (ga)
Classification: Uncertain significance. Last evaluated: 2016-06-21. Review status: criteria provided, single submitter. Criteria: EGL Classification Definitions 2015. Collection method: clinical testing. Allele origin: germline. Observed: 1 variant allele, 1 heterozygote.

NM_020549.5(CHAT):c.2222G>A (p.Arg741Lys)

Gene: CHAT (choline O-acetyltransferase; plus strand). Cytogenetic location: 10q11.23.
Variant type: single nucleotide variant.
Coding change: c.2222G>A on transcript NM_020549.5 (MANE Select); coding-DNA position 2222, G replaced by A.
Protein change: p.Arg741Lys; replaces arginine 741 with lysine.
Molecular consequence: missense variant.
Genome position (GRCh38, 1-based): chr10:49,665,021, G>A. VCF-style: chr10-49665021-G-A. GRCh37 (hg19) VCF-style: chr10-50873067-G-A.
Other names: c.1868G>A, p.Arg623Lys (NM_001142929.2, NM_001142934.2, NM_020984.4 and 2 more transcripts); c.1976G>A, p.Arg659Lys (NM_001142933.2); short protein forms R741K, R623K, R659K.
Identifiers: ClinVar variation 287910 (VCV000287910.21), dbSNP rs114719193, ClinGen allele CA5497735.